The following is an entry in ClinVar:

NM_212552.3(BOLA3):c.296G>A (p.Arg99Gln)

Gene: BOLA3 (bolA family member 3; minus strand). Cytogenetic location: 2p13.1.
Variant type: single nucleotide variant.
Coding change: c.296G>A on transcript NM_212552.3 (MANE Select); coding-DNA position 296, G replaced by A.
Protein change: p.Arg99Gln; replaces arginine 99 with glutamine.
Molecular consequence: missense variant. On other transcripts: synonymous variant (1).
Genome position (GRCh38, 1-based): chr2:74,135,621, C>T on the plus strand (G>A on the coding strand, the complement: BOLA3 is on the minus strand). VCF-style: chr2-74135621-C-T. GRCh37 (hg19) VCF-style: chr2-74362748-C-T.
Other names: c.207G>A, p.Ala69= (NM_001035505.2); short protein forms R99Q.
Identifiers: ClinVar variation 1163413 (VCV001163413.10), dbSNP rs202046520, ClinGen allele CA1719443.

ClinVar aggregate classification (germline): Uncertain significance. Review status: criteria provided, multiple submitters, no conflicts (2 of 4 stars). 4 submissions from 4 submitters: Uncertain significance (4). Last evaluated 2024-05-09.

Conditions:
Inborn genetic diseases. Identifiers: MedGen C0950123, MeSH D030342.
Multiple mitochondrial dysfunctions syndrome 2 (MMDS2). Also called: MULTIPLE MITOCHONDRIAL DYSFUNCTIONS SYNDROME 2 WITH HYPERGLYCINEMIA. Identifiers: Orphanet 401874, MedGen C3280378, MONDO:0013675, OMIM 614299.

Allele frequency attached by ClinVar (database versions not stated): ExAC 0.00003; gnomAD exomes 0.00007; TOPMed 0.00007; gnomAD 0.00009.

Submissions (4):

Labcorp Genetics (formerly Invitae), Labcorp
Classification: Uncertain significance. Last evaluated: 2024-05-09. Review status: criteria provided, single submitter. Criteria: Invitae Variant Classification Sherloc (09022015). Collection method: clinical testing. Allele origin: germline.
Comment: This sequence change replaces arginine, which is basic and polar, with glutamine, which is neutral and polar, at codon 99 of the BOLA3 protein (p.Arg99Gln). This variant is present in population databases (rs202046520, gnomAD 0.02%). This variant has not been reported in the literature in individuals affected with BOLA3-related conditions. ClinVar contains an entry for this variant (Variation ID: 1163413). An algorithm developed to predict the effect of missense changes on protein structure and function (PolyPhen-2) suggests that this variant is likely to be tolerated. In summary, the available evidence is currently insufficient to determine the role of this variant in disease. Therefore, it has been classified as a Variant of Uncertain Significance.

Ambry Genetics
Classification: Uncertain significance for Inborn genetic diseases. Last evaluated: 2022-12-19. Review status: criteria provided, single submitter. Criteria: Ambry Variant Classification Scheme 2023. Collection method: clinical testing. Allele origin: germline.

Fulgent Genetics
Classification: Uncertain significance for Multiple mitochondrial dysfunctions syndrome 2. Last evaluated: 2022-03-21. Review status: criteria provided, single submitter. Criteria: ACMG Guidelines, 2015. Collection method: clinical testing. Allele origin: unknown.

Mayo Clinic Laboratories, Mayo Clinic
Classification: Uncertain significance. Last evaluated: 2019-11-11. Review status: criteria provided, single submitter. Criteria: ACMG Guidelines, 2015. Collection method: clinical testing. Allele origin: germline. Observed: 1 variant allele.